The following is an entry in ClinVar:

NM_022124.6(CDH23):c.6611A>C (p.Asn2204Thr)

Gene: CDH23 (cadherin related 23; plus strand). Cytogenetic location: 10q22.1.
Variant type: single nucleotide variant.
Coding change: c.6611A>C on transcript NM_022124.6 (MANE Select); coding-DNA position 6611, A replaced by C.
Protein change: p.Asn2204Thr; replaces asparagine 2204 with threonine.
Molecular consequence: missense variant.
Genome position (GRCh38, 1-based): chr10:71,793,539, A>C. VCF-style: chr10-71793539-A-C. GRCh37 (hg19) VCF-style: chr10-73553296-A-C.
Other names: c.6611A>C (NM_022124.5); short protein forms N2204T.
Identifiers: ClinVar variation 1428132 (VCV001428132.6), dbSNP rs1589425004, ClinGen allele CA377155419.

ClinVar aggregate classification (germline): Uncertain significance. Review status: criteria provided, single submitter (1 of 4 stars). 2 submissions from 2 submitters: Uncertain significance (1). 1 of the submissions does not count toward it. Last evaluated 2025-01-29.

Conditions:
Usher syndrome type 1 (USH1). Also called: RETINITIS PIGMENTOSA AND CONGENITAL DEAFNESS. Identifiers: Orphanet 231169, Orphanet 886, MedGen C1568247, MONDO:0010168, OMIM 276900.

Allele frequency attached by ClinVar (database versions not stated): TOPMed below 0.00001.

Submissions (2):

Labcorp Genetics (formerly Invitae), Labcorp
Classification: Uncertain significance. Last evaluated: 2025-01-29. Review status: criteria provided, single submitter. Criteria: Invitae Variant Classification Sherloc (09022015). Collection method: clinical testing. Allele origin: germline.
Comment: This sequence change replaces asparagine, which is neutral and polar, with threonine, which is neutral and polar, at codon 2204 of the CDH23 protein (p.Asn2204Thr). This variant is not present in population databases (gnomAD no frequency). This variant has not been reported in the literature in individuals affected with CDH23-related conditions. ClinVar contains an entry for this variant (Variation ID: 1428132). Invitae Evidence Modeling of protein sequence and biophysical properties (such as structural, functional, and spatial information, amino acid conservation, physicochemical variation, residue mobility, and thermodynamic stability) has been performed for this missense variant. However, the output from this modeling did not meet the statistical confidence thresholds required to predict the impact of this variant on CDH23 protein function. In summary, the available evidence is currently insufficient to determine the role of this variant in disease. Therefore, it has been classified as a Variant of Uncertain Significance.

Natera, Inc.
Classification: Uncertain significance for Usher syndrome type 1. Last evaluated: 2025-05-14. Review status: no assertion criteria provided. Collection method: clinical testing. Allele origin: germline. Not counted in ClinVar's aggregate classification.